The following is an entry in ClinVar:

NM_000051.4(ATM):c.1798C>T (p.His600Tyr)

Gene: ATM (ATM serine/threonine kinase; plus strand). Cytogenetic location: 11q22.3.
Variant type: single nucleotide variant.
Coding change: c.1798C>T on transcript NM_000051.4 (MANE Select); coding-DNA position 1798, C replaced by T.
Protein change: p.His600Tyr; replaces histidine 600 with tyrosine.
Molecular consequence: missense variant.
Genome position (GRCh38, 1-based): chr11:108,252,027, C>T. VCF-style: chr11-108252027-C-T. GRCh37 (hg19) VCF-style: chr11-108122754-C-T.
Other names: c.1798C>T, p.His600Tyr (NM_001351834.2); short protein forms H600Y.
Identifiers: ClinVar variation 947044 (VCV000947044.10), dbSNP rs1555072089, ClinGen allele CA382535581.
Genomic context (GRCh38, chr11:108,252,027, plus strand): 5'-CTCTTATTCTATCAGTTAGAGGGTGACTTAGAAAATAGCACAGAAGTGCCTCCAATTCTT[C>T]ACAGGTAATTTAAGTTCATTAGCATGCTGCTGTTTTTTTTGTTTGTTTTATCAGGCTCTC-3'
Protein context (NP_000042.3, residues 590-610): ENSTEVPPIL[His600Tyr]SNFPHLVLEK

ClinVar aggregate classification (germline): Uncertain significance. Review status: criteria provided, multiple submitters, no conflicts (2 of 4 stars). 2 submissions from 2 submitters: Uncertain significance (2). Last evaluated 2025-04-28.

Conditions:
Hereditary cancer-predisposing syndrome. Also called: Neoplastic Syndromes, Hereditary; Hereditary neoplastic syndrome; Hereditary Cancer Syndrome; Tumor predisposition. Identifiers: Orphanet 140162, MedGen C0027672, MeSH D009386, MONDO:0015356.
Ataxia-telangiectasia syndrome (AT). Also called: Ataxia-telangiectasia, complementation group E; Ataxia telangiectasia (A-T); LOUIS-BAR SYNDROME; ATAXIA-TELANGIECTASIA, FRESNO VARIANT; AT, COMPLEMENTATION GROUP C; Ataxia-telangiectasia. Identifiers: Orphanet 100, MedGen C0004135, MONDO:0008840, OMIM 208900.

Submissions (2):

Ambry Genetics
Classification: Uncertain significance for Hereditary cancer-predisposing syndrome. Last evaluated: 2025-04-28. Review status: criteria provided, single submitter. Criteria: Ambry Variant Classification Scheme 2023. Collection method: clinical testing. Allele origin: germline.
Comment: The p.H600Y variant (also known as c.1798C>T), located in coding exon 10 of the ATM gene, results from a C to T substitution at nucleotide position 1798. The histidine at codon 600 is replaced by tyrosine, an amino acid with similar properties. This amino acid position is conserved. In addition, this alteration is predicted to be tolerated by in silico analysis. Based on the available evidence, the clinical significance of this variant remains unclear.

Labcorp Genetics (formerly Invitae), Labcorp
Classification: Uncertain significance for Ataxia-telangiectasia syndrome. Last evaluated: 2023-07-10. Review status: criteria provided, single submitter. Criteria: Invitae Variant Classification Sherloc (09022015). Collection method: clinical testing. Allele origin: germline.
Comment: This sequence change replaces histidine, which is basic and polar, with tyrosine, which is neutral and polar, at codon 600 of the ATM protein (p.His600Tyr). This variant is not present in population databases (gnomAD no frequency). This variant has not been reported in the literature in individuals affected with ATM-related conditions. ClinVar contains an entry for this variant (Variation ID: 947044). An algorithm developed to predict the effect of missense changes on protein structure and function (PolyPhen-2) suggests that this variant is likely to be tolerated. In summary, the available evidence is currently insufficient to determine the role of this variant in disease. Therefore, it has been classified as a Variant of Uncertain Significance.